The following is an entry in ClinVar:

NM_001042600.3(MAP4K1):c.2202G>T (p.Pro734=)

Gene: MAP4K1 (mitogen-activated protein kinase kinase kinase kinase 1; minus strand). Cytogenetic location: 19q13.2.
Variant type: single nucleotide variant.
Coding change: c.2202G>T on transcript NM_001042600.3 (MANE Select); coding-DNA position 2202, G replaced by T.
Protein change: p.Pro734=; no amino-acid change (proline 734 retained).
Molecular consequence: synonymous variant.
Genome position (GRCh38, 1-based): chr19:38,595,707, C>A on the plus strand (G>T on the coding strand, the complement: MAP4K1 is on the minus strand). VCF-style: chr19-38595707-C-A. GRCh37 (hg19) VCF-style: chr19-39086347-C-A.
Other names: c.2202G>T, p.Pro734= (NM_007181.6).
Identifiers: ClinVar variation 2649817 (VCV002649817.24), dbSNP rs752817783, ClinGen allele CA507237529.

ClinVar aggregate classification (germline): Likely benign (1 of 4 stars; one submission).

gnomAD v4.1: 4 of 1,605,926 alleles (0.00025%); highest among the groups gnomAD compares: African/African-American, 0.0013%; no homozygotes.

Submission:

CeGaT Center for Human Genetics Tuebingen
Classification: Likely benign. Last evaluated: 2024-03-01. Review status: criteria provided, single submitter. Criteria: CeGaT Center For Human Genetics Tuebingen Variant Classification Criteria Version 2. Collection method: clinical testing. Allele origin: germline. Affected: yes. Observed: 2 variant alleles.
Comment: MAP4K1: PM2:Supporting, BP4, BP7